The following is an entry in ClinVar:

ClinVar aggregate classification (germline): Likely benign (1 of 4 stars; one submission).

Allele frequency attached by ClinVar (database versions not stated): gnomAD exomes below 0.00001.
gnomAD v4.1: 1 of 1,613,884 alleles (0.000062%); highest among the groups gnomAD compares: South Asian, 0.0011%; no homozygotes.

Submission:

CeGaT Center for Human Genetics Tuebingen
Classification: Likely benign. Last evaluated: 2022-03-01. Review status: criteria provided, single submitter. Criteria: CeGaT Center For Human Genetics Tuebingen Variant Classification Criteria Version 2. Collection method: clinical testing. Allele origin: germline. Affected: yes. Observed: 1 variant allele.
Comment: NLRP12: BP4, BP7

NM_144687.4(NLRP12):c.1998T>C (p.Tyr666=)

Gene: NLRP12 (NLR family pyrin domain containing 12; minus strand). Cytogenetic location: 19q13.42.
Variant type: single nucleotide variant.
Coding change: c.1998T>C on transcript NM_144687.4 (MANE Select); coding-DNA position 1998, T replaced by C.
Protein change: p.Tyr666=; no amino-acid change (tyrosine 666 retained).
Molecular consequence: synonymous variant.
Genome position (GRCh38, 1-based): chr19:53,809,661, A>G on the plus strand (T>C on the coding strand, the complement: NLRP12 is on the minus strand). VCF-style: chr19-53809661-A-G. GRCh37 (hg19) VCF-style: chr19-54312915-A-G.
Other names: c.1998T>C, p.Tyr666= (NM_001277126.2, NM_001277129.1).
Identifiers: ClinVar variation 1675757 (VCV001675757.33), dbSNP rs1297936600, ClinGen allele CA508853724.